The following is an entry in ClinVar:

NM_000283.4(PDE6B):c.2352+5G>A

Gene: PDE6B (phosphodiesterase 6B; plus strand). Cytogenetic location: 4p16.3.
Variant type: single nucleotide variant.
Coding change: c.2352+5G>A on transcript NM_000283.4 (MANE Select); 5 bases into the intron after coding-DNA position 2352, G replaced by A.
Molecular consequence: intron variant.
Genome position (GRCh38, 1-based): chr4:666,619, G>A. VCF-style: chr4-666619-G-A. GRCh37 (hg19) VCF-style: chr4-660408-G-A.
Other names: c.2352+5G>A (NM_001145291.2); c.1515+5G>A (NM_001379246.1, NM_001379247.1, NM_001145292.2 and 1 more transcripts); c.1197+5G>A (NM_001350155.3).
Identifiers: ClinVar variation 3681930 (VCV003681930.2).
Genomic context (GRCh38, chr4:666,619, plus strand): 5'-AGCTCCCCAAGCTGCAAGTGGGCTTCATCGACTTCGTGTGCACATTCGTGTACAAGGCGA[G>A]TGGTTCACGGGTGTTCCGAGCTGACTGGGGCAGGGTGGCTGGGAGCAGGCAAGGGGGCGC-3'

ClinVar aggregate classification (germline): Uncertain significance (1 of 4 stars; one submission).

Submission:

Labcorp Genetics (formerly Invitae), Labcorp
Classification: Uncertain significance. Last evaluated: 2024-07-08. Review status: criteria provided, single submitter. Criteria: Invitae Variant Classification Sherloc (09022015). Collection method: clinical testing. Allele origin: germline.
Comment: This sequence change falls in intron 20 of the PDE6B gene. It does not directly change the encoded amino acid sequence of the PDE6B protein. It affects a nucleotide within the consensus splice site. This variant is not present in population databases (gnomAD no frequency). This variant has been observed in individual(s) with retinitis pigmentosa (Invitae). In at least one individual the data is consistent with being in trans (on the opposite chromosome) from a pathogenic variant. Variants that disrupt the consensus splice site are a relatively common cause of aberrant splicing (PMID: 17576681, 9536098). Algorithms developed to predict the effect of sequence changes on RNA splicing suggest that this variant may disrupt the consensus splice site. In summary, the available evidence is currently insufficient to determine the role of this variant in disease. Therefore, it has been classified as a Variant of Uncertain Significance.

Literature cited by the submitters: PubMed 17576681; PubMed 9536098.